The following is an entry in ClinVar:

NM_004738.5(VAPB):c.575A>G (p.Glu192Gly)

Gene: VAPB (VAMP associated protein B and C; plus strand). Cytogenetic location: 20q13.32.
Variant type: single nucleotide variant.
Coding change: c.575A>G on transcript NM_004738.5 (MANE Select); coding-DNA position 575, A replaced by G.
Protein change: p.Glu192Gly; replaces glutamic acid 192 with glycine.
Molecular consequence: missense variant. On other transcripts: synonymous variant (1), non-coding transcript variant (1).
Genome position (GRCh38, 1-based): chr20:58,444,078, A>G. VCF-style: chr20-58444078-A-G. GRCh37 (hg19) VCF-style: chr20-57019134-A-G.
Other names: c.213A>G, p.Gly71= (NM_001195677.2); short protein forms E192G.
Identifiers: ClinVar variation 3054607 (VCV003054607.2), dbSNP rs2516070926, ClinGen allele CA409440041.

ClinVar aggregate classification (germline): Uncertain significance (0 of 4 stars; one submission).

Conditions:
VAPB-related disorder. Also called: VAPB-related condition.

Submission:

PreventionGenetics, part of Exact Sciences
Classification: Uncertain significance for VAPB-related condition. Last evaluated: 2023-12-14. Review status: no assertion criteria provided. Collection method: clinical testing. Allele origin: germline.
Comment: The VAPB c.575A>G variant is predicted to result in the amino acid substitution p.Glu192Gly. To our knowledge, this variant has not been reported in the literature or in a large population database, indicating this variant is rare. At this time, the clinical significance of this variant is uncertain due to the absence of conclusive functional and genetic evidence.